The following is an entry in ClinVar:

NM_000535.7(PMS2):c.2411A>G (p.Lys804Arg)

Gene: PMS2 (PMS1 homolog 2, mismatch repair system component; minus strand). Cytogenetic location: 7p22.1.
Variant type: single nucleotide variant.
Coding change: c.2411A>G on transcript NM_000535.7 (MANE Select); coding-DNA position 2411, A replaced by G.
Protein change: p.Lys804Arg; replaces lysine 804 with arginine.
Molecular consequence: missense variant. On other transcripts: non-coding transcript variant (1).
Genome position (GRCh38, 1-based): chr7:5,977,622, T>C on the plus strand (A>G on the coding strand, the complement: PMS2 is on the minus strand). VCF-style: chr7-5977622-T-C. GRCh37 (hg19) VCF-style: chr7-6017253-T-C.
Other names: c.2006A>G, p.Lys669Arg (NM_001018040.1, NM_001322003.2, NM_001322004.2 and 12 more transcripts); c.2255A>G, p.Lys752Arg (NM_001322006.2); c.2093A>G, p.Lys698Arg (NM_001322007.2, NM_001322008.2, NM_001406883.1); c.2039A>G, p.Lys680Arg (NM_001322009.2, NM_001406887.1, NM_001406888.1); c.1850A>G, p.Lys617Arg (NM_001322010.2, NM_001406906.1, NM_001406907.1); c.1478A>G, p.Lys493Arg (NM_001322011.2, NM_001322012.2); c.1838A>G, p.Lys613Arg (NM_001322013.2, NM_001406908.1, NM_001406909.1); c.2444A>G, p.Lys815Arg (NM_001322014.2); and 20 more; short protein forms K403R, K617R, K642R, K709R, K712R, K812R, K493R, K613R.
Identifiers: ClinVar variation 1790894 (VCV001790894.3), dbSNP rs2128672266, ClinGen allele CA366735649.

ClinVar aggregate classification (germline): Conflicting classifications of pathogenicity. Review status: criteria provided, conflicting classifications (1 of 4 stars). 2 submissions from 2 submitters: Uncertain significance (1); Likely benign (1). Last evaluated 2025-07-15.

Conditions:
Hereditary cancer-predisposing syndrome. Also called: Hereditary Cancer Syndrome; Hereditary neoplastic syndrome; Tumor predisposition; Neoplastic Syndromes, Hereditary. Identifiers: Orphanet 140162, MedGen C0027672, MeSH D009386, MONDO:0015356.

Submissions (2):

Color Diagnostics, LLC DBA Color Health
Classification: Uncertain significance for Hereditary cancer-predisposing syndrome. Last evaluated: 2025-07-15. Review status: criteria provided, single submitter. Criteria: ACMG Guidelines, 2015. Collection method: clinical testing. Allele origin: germline.
Comment: This missense variant replaces lysine with arginine at codon 804 of the PMS2 protein. Computational prediction suggests that this variant may not impact protein structure and function. To our knowledge, functional studies have not been reported for this variant. This variant has not been reported in individuals affected with PMS2-related disorders in the literature. This variant has not been identified in the general population by the Genome Aggregation Database (gnomAD). The available evidence is insufficient to determine the role of this variant in disease conclusively. Therefore, this variant is classified as a Variant of Uncertain Significance.

Ambry Genetics
Classification: Likely benign for Hereditary cancer-predisposing syndrome. Last evaluated: 2022-08-10. Review status: criteria provided, single submitter. Criteria: Ambry Variant Classification Scheme 2023. Collection method: clinical testing. Allele origin: germline.

Literature cited by the submitters: PubMed 28767177 (cited by Ambry Genetics).